The following is an entry in ClinVar:

NM_017410.3(HOXC13):c.79G>A (p.Gly27Ser)

Genes: HOXC13 (homeobox C13; plus strand), HOXC13-AS (HOXC13 antisense RNA; minus strand). Cytogenetic location: 12q13.13.
Variant type: single nucleotide variant.
Coding change: c.79G>A on transcript NM_017410.3 (MANE Select); coding-DNA position 79, G replaced by A.
Protein change: p.Gly27Ser; replaces glycine 27 with serine.
Molecular consequence: missense variant.
Genome position (GRCh38, 1-based): chr12:53,938,985, G>A. VCF-style: chr12-53938985-G-A. GRCh37 (hg19) VCF-style: chr12-54332769-G-A.
Other names: short protein forms G27S.
Identifiers: ClinVar variation 4271871 (VCV004271871.2).
Genomic context (GRCh38, chr12:53,938,985, plus strand): 5'-CTGCATCCACGCTGGCCGGAGAGCCTTATGTACGTCTATGAGGACAGCGCGGCGGAGAGC[G>A]GCATCGGCGGCGGCGGCGGAGGAGGAGGCGGCGGCACGGGCGGAGCGGGGGGTGGCTGCA-3'
Protein context (NP_059106.2, residues 17-37): YVYEDSAAES[Gly27Ser]IGGGGGGGGG

ClinVar aggregate classification (germline): Uncertain significance. Review status: criteria provided, multiple submitters, no conflicts (2 of 4 stars). 2 submissions from 2 submitters: Uncertain significance (2). Last evaluated 2025-08-23.

gnomAD v4.1: 8 of 1,509,192 alleles (0.00053%); highest among the groups gnomAD compares: Admixed American, 0.012%; no homozygotes.

Submissions (2):

Ambry Genetics
Classification: Uncertain significance. Last evaluated: 2025-08-23. Review status: criteria provided, single submitter. Criteria: Ambry Variant Classification Scheme 2023. Collection method: clinical testing. Allele origin: germline.

Labcorp Genetics (formerly Invitae), Labcorp
Classification: Uncertain significance. Last evaluated: 2025-07-30. Review status: criteria provided, single submitter. Criteria: Invitae Variant Classification Sherloc (09022015). Collection method: clinical testing. Allele origin: germline.
Comment: This sequence change replaces glycine, which is neutral and non-polar, with serine, which is neutral and polar, at codon 27 of the HOXC13 protein (p.Gly27Ser). The frequency data for this variant in the population databases is considered unreliable, as metrics indicate poor data quality at this position in the gnomAD database. This variant has not been reported in the literature in individuals affected with HOXC13-related conditions. An algorithm developed to predict the effect of missense changes on protein structure and function outputs the following: PolyPhen-2: "Possibly Damaging". The serine amino acid residue is found in multiple mammalian species, which suggests that this missense change does not adversely affect protein function. In summary, the available evidence is currently insufficient to determine the role of this variant in disease. Therefore, it has been classified as a Variant of Uncertain Significance.